The following is an entry in ClinVar:

NM_014244.5(ADAMTS2):c.2618-191C>T

Gene: ADAMTS2 (ADAM metallopeptidase with thrombospondin type 1 motif 2; minus strand). Cytogenetic location: 5q35.3.
Variant type: single nucleotide variant.
Coding change: c.2618-191C>T on transcript NM_014244.5 (MANE Select); 191 bases into the intron before coding-DNA position 2618, C replaced by T.
Molecular consequence: intron variant.
Genome position (GRCh38, 1-based): chr5:179,126,321, G>A on the plus strand (C>T on the coding strand, the complement: ADAMTS2 is on the minus strand). VCF-style: chr5-179126321-G-A. GRCh37 (hg19) VCF-style: chr5-178553322-G-A.
Identifiers: ClinVar variation 683595 (VCV000683595.1), dbSNP rs62396114, ClinGen allele CA133030912.

ClinVar aggregate classification (germline): Likely benign (1 of 4 stars; one submission).

Allele frequency attached by ClinVar (database versions not stated): gnomAD 0.00796 and 0.00849; TOPMed 0.00867; 1000 Genomes Project 30x 0.00968; 1000 Genomes Project 0.01038.
gnomAD v4.1: 1,201 of 152,238 alleles (0.79%); highest among the groups gnomAD compares: African/African-American, 2.7%; 19 homozygotes.

Submission:

GeneDx
Classification: Likely benign. Last evaluated: 2018-06-14. Review status: criteria provided, single submitter. Criteria: GeneDx Variant Classification (06012015). Collection method: clinical testing. Allele origin: germline. Affected: yes.
Comment: This variant is considered likely benign or benign based on one or more of the following criteria: it is a conservative change, it occurs at a poorly conserved position in the protein, it is predicted to be benign by multiple in silico algorithms, and/or has population frequency not consistent with disease.